The following is an entry in ClinVar:

ClinVar aggregate classification (germline): Likely pathogenic. Review status: criteria provided, single submitter (1 of 4 stars). 2 submissions from 2 submitters: Likely pathogenic (1). 1 of the submissions does not count toward it. Last evaluated 2022-11-04.

Conditions:
Alternating hemiplegia of childhood 1 (AHC1). Identifiers: Orphanet 2131, MedGen C3549447, MONDO:0007087, OMIM 104290.

Submissions (2):

Women's Health and Genetics/Laboratory Corporation of America, LabCorp
Classification: Likely pathogenic for Alternating hemiplegia of childhood 1. Last evaluated: 2022-11-04. Review status: criteria provided, single submitter. Criteria: LabCorp Variant Classification Summary - May 2015. Collection method: clinical testing. Allele origin: germline.
Comment: Variant summary: ATP1A2 c.2336G>A (p.Ser779Asn) results in a conservative amino acid change in the encoded protein sequence. Four of five in-silico tools predict a damaging effect of the variant on protein function. The variant was absent in 251480 control chromosomes (gnomAD). c.2336G>A has been reported in the literature in an individual affected with hypokalaemic periodic paralysis (Castaneda_2018). A muscle biopsy undertaken shortly after an attack from this individual showed evidence of non-specific myopathic process. Functional analysis revealed a leak current in the mutant pump, analogous to gating pore currents carried by mutant voltage gated sodium and calcium channels. These currents underlie hypoPP (Cannon, 2015). The depolarizing inward leak currents in the mutant pump were measured only at hypokalaemic conditions, consistent with the low serum potassium measured in the patient during symptoms. Thus, the functional evidence strongly supports the association of the variant with periodic paralysis in the patient. One submitter (OMIM) have provided clinical-significance assessments for this variant to ClinVar after 2014 and classified the variant as pathogenic. Based on the evidence outlined above, the variant was classified as likely pathogenic.

OMIM
Classification: Pathogenic for ALTERNATING HEMIPLEGIA OF CHILDHOOD 1. Last evaluated: 2021-11-10. Review status: no assertion criteria provided. Collection method: literature only. Allele origin: germline. Not counted in ClinVar's aggregate classification.

Literature cited by the submitters: PubMed 30423015 (cited by Women's Health and Genetics/Laboratory Corporation of America, LabCorp and OMIM).

NM_000702.4(ATP1A2):c.2336G>A (p.Ser779Asn)

Gene: ATP1A2 (ATPase Na+/K+ transporting subunit alpha 2; plus strand). Cytogenetic location: 1q23.2.
Variant type: single nucleotide variant.
Coding change: c.2336G>A on transcript NM_000702.4 (MANE Select); coding-DNA position 2336, G replaced by A.
Protein change: p.Ser779Asn; replaces serine 779 with asparagine.
Molecular consequence: missense variant.
Genome position (GRCh38, 1-based): chr1:160,135,890, G>A. VCF-style: chr1-160135890-G-A. GRCh37 (hg19) VCF-style: chr1-160105680-G-A.
Other names: c.2336G>A (NM_000702.3); short protein forms S779N.
Identifiers: ClinVar variation 1321203 (VCV001321203.2), dbSNP rs2101995480, ClinGen allele CA343250247.